The following is an entry in ClinVar:

ClinVar aggregate classification (germline): Benign (0 of 4 stars; one submission).

Conditions:
DNAH17-related disorder. Also called: DNAH17-related condition.

Allele frequency attached by ClinVar (database versions not stated): gnomAD exomes 0.00058; ExAC 0.00218; gnomAD 0.00607; 1000 Genomes Project 0.00679; TOPMed 0.00702; 1000 Genomes Project 30x 0.00703; ESP Exome Variant Server 0.00830.
gnomAD v4.1: 1,787 of 1,614,012 alleles (0.11%); highest among the groups gnomAD compares: African/African-American, 2.1%; 23 homozygotes.

Submission:

PreventionGenetics, part of Exact Sciences
Classification: Benign for DNAH17-related condition. Last evaluated: 2019-03-04. Review status: no assertion criteria provided. Collection method: clinical testing. Allele origin: germline.
Comment: This variant is classified as benign based on ACMG/AMP sequence variant interpretation guidelines (Richards et al. 2015 PMID: 25741868, with internal and published modifications).

NM_173628.4(DNAH17):c.9711C>T (p.Ala3237=)

Gene: DNAH17 (dynein axonemal heavy chain 17; minus strand). Cytogenetic location: 17q25.3.
Variant type: single nucleotide variant.
Coding change: c.9711C>T on transcript NM_173628.4 (MANE Select); coding-DNA position 9711, C replaced by T.
Protein change: p.Ala3237=; no amino-acid change (alanine 3237 retained).
Molecular consequence: synonymous variant.
Genome position (GRCh38, 1-based): chr17:78,459,151, G>A on the plus strand (C>T on the coding strand, the complement: DNAH17 is on the minus strand). VCF-style: chr17-78459151-G-A. GRCh37 (hg19) VCF-style: chr17-76455233-G-A.
Identifiers: ClinVar variation 3035238 (VCV003035238.2), dbSNP rs894977, ClinGen allele CA8801187.